The following is an entry in ClinVar:

ClinVar aggregate classification (germline): Benign. Review status: criteria provided, multiple submitters, no conflicts (2 of 4 stars). 2 submissions from 2 submitters: Benign (2). Last evaluated 2018-01-13.

Conditions:
Deficiency of 2-methylbutyryl-CoA dehydrogenase (ACADSB). Also called: 2-methylbutyryl-CoA dehydrogenase deficiency; SBCAD deficiency; 2-methylbutyric aciduria; Short branched-chain acyl-CoA dehydrogenase deficiency; 2-methylbutyrylglycinuria. Identifiers: Orphanet 79157, MedGen C1864912, MONDO:0012392, OMIM 610006, HP:0020147.

Allele frequency attached by ClinVar (database versions not stated): gnomAD exomes 0.27778; TOPMed 0.09767; gnomAD 0.10587 and 0.10692; 1000 Genomes Project 30x 0.10931; 1000 Genomes Project 0.11182.
gnomAD v4.1: 16,317 of 152,236 alleles (11%); highest among the groups gnomAD compares: East Asian, 15%; 1,010 homozygotes.

Submissions (2):

Illumina Laboratory Services, Illumina
Classification: Benign for Deficiency of 2-methylbutyryl-CoA dehydrogenase. Last evaluated: 2018-01-13. Review status: criteria provided, single submitter. Criteria: ICSL Variant Classification Criteria 13 December 2019. Collection method: clinical testing. Allele origin: germline.
Comment: This variant was observed in the ICSL laboratory as part of a predisposition screen in an ostensibly healthy population. It had not been previously curated by ICSL or reported in the Human Gene Mutation Database (HGMD: prior to June 1st, 2018), and was therefore a candidate for classification through an automated scoring system. Utilizing variant allele frequency, disease prevalence and penetrance estimates, and inheritance mode, an automated score was calculated to assess if this variant is too frequent to cause the disease. Based on the score and internal cut-off values, a variant classified as benign is not then subjected to further curation. The score for this variant resulted in a classification of benign for this disease.

Breakthrough Genomics
Classification: Benign. Review status: criteria provided, single submitter. Criteria: ACMG Guidelines, 2015. Collection method: not provided. Allele origin: germline. Inheritance: Autosomal recessive inheritance. Affected: yes.

NM_001609.4(ACADSB):c.*1200A>T

Gene: ACADSB (acyl-CoA dehydrogenase short/branched chain; plus strand). Cytogenetic location: 10q26.13.
Variant type: single nucleotide variant.
Coding change: c.*1200A>T on transcript NM_001609.4 (MANE Select); 1200 bases downstream of the stop codon, A replaced by T.
Molecular consequence: 3 prime UTR variant.
Genome position (GRCh38, 1-based): chr10:123,054,965, A>T. VCF-style: chr10-123054965-A-T. GRCh37 (hg19) VCF-style: chr10-124814481-A-T.
Other names: c.*1200A>T (NM_001330174.3).
Identifiers: ClinVar variation 299109 (VCV000299109.6), dbSNP rs11248371, ClinGen allele CA10628161.
Genomic context (GRCh38, chr10:123,054,965, plus strand): 5'-AATAATTCAGAAATTGGGTTTTGGTTCAGTGATTCTCAAGAAAAAGATCTCTTGCCCATT[A>T]AGAAGTGTATCAAAATCTCATAAGGAATGAGGGAGAGAAGGGGGCTGTAGAGTTTGAAAA-3'